The following is an entry in ClinVar:

NM_000070.3(CAPN3):c.1591A>C (p.Lys531Gln)

Gene: CAPN3 (calpain 3; plus strand). Cytogenetic location: 15q15.1.
Variant type: single nucleotide variant.
Coding change: c.1591A>C on transcript NM_000070.3 (MANE Select); coding-DNA position 1591, A replaced by C.
Protein change: p.Lys531Gln; replaces lysine 531 with glutamine.
Molecular consequence: missense variant.
Genome position (GRCh38, 1-based): chr15:42,402,848, A>C. VCF-style: chr15-42402848-A-C. GRCh37 (hg19) VCF-style: chr15-42695046-A-C.
Other names: c.1591A>C, p.Lys531Gln (NM_024344.2); c.1447A>C, p.Lys483Gln (NM_173087.2); c.55A>C, p.Lys19Gln (NM_173088.2); short protein forms K19Q, K483Q, K531Q.
Identifiers: ClinVar variation 4700632 (VCV004700632.1).

ClinVar aggregate classification (germline): Uncertain significance (1 of 4 stars; one submission).

Conditions:
Autosomal recessive limb-girdle muscular dystrophy type 2A (LGMDR1). Also called: MUSCULAR DYSTROPHY, PELVOFEMORAL; Limb-girdle muscular dystrophy, type 2A; Calpainopathy; LEYDEN-MOEBIUS MUSCULAR DYSTROPHY; Muscular dystrophy, limb-girdle, type 2A, Amish. Identifiers: Orphanet 267, MedGen C1869123, MONDO:0009675, OMIM 253600. Disease mechanism: loss of function.

Submission:

Labcorp Genetics (formerly Invitae), Labcorp
Classification: Uncertain significance for Autosomal recessive limb-girdle muscular dystrophy type 2A. Last evaluated: 2025-10-05. Review status: criteria provided, single submitter. Criteria: Invitae Variant Classification Sherloc (09022015). Collection method: clinical testing. Allele origin: germline.
Comment: This sequence change replaces lysine, which is basic and polar, with glutamine, which is neutral and polar, at codon 531 of the CAPN3 protein (p.Lys531Gln). This variant is not present in population databases (gnomAD no frequency). This variant has not been reported in the literature in individuals affected with CAPN3-related conditions. Invitae Evidence Modeling of protein sequence and biophysical properties (such as structural, functional, and spatial information, amino acid conservation, physicochemical variation, residue mobility, and thermodynamic stability) indicates that this missense variant is not expected to disrupt CAPN3 protein function with a negative predictive value of 80%. In summary, the available evidence is currently insufficient to determine the role of this variant in disease. Therefore, it has been classified as a Variant of Uncertain Significance.